The following is an entry in ClinVar:

ClinVar aggregate classification (germline): Uncertain significance (1 of 4 stars; one submission).

Submission:

Labcorp Genetics (formerly Invitae), Labcorp
Classification: Uncertain significance. Last evaluated: 2025-02-20. Review status: criteria provided, single submitter. Criteria: Invitae Variant Classification Sherloc (09022015). Collection method: clinical testing. Allele origin: germline.
Comment: This sequence change falls in intron 7 of the NPAT gene. It does not directly change the encoded amino acid sequence of the NPAT protein. It affects a nucleotide within the consensus splice site. This variant is not present in population databases (gnomAD no frequency). This variant has not been reported in the literature in individuals affected with NPAT-related conditions. Variants that disrupt the consensus splice site are a relatively common cause of aberrant splicing (PMID: 17576681, 9536098). Algorithms developed to predict the effect of sequence changes on RNA splicing suggest that this variant is not likely to affect RNA splicing. In summary, the available evidence is currently insufficient to determine the role of this variant in disease. Therefore, it has been classified as a Variant of Uncertain Significance.

Literature cited by the submitters: PubMed 17576681; PubMed 9536098.

NM_002519.3(NPAT):c.638+5A>T

Gene: NPAT (nuclear protein, coactivator of histone transcription; minus strand). Cytogenetic location: 11q22.3.
Variant type: single nucleotide variant.
Coding change: c.638+5A>T on transcript NM_002519.3 (MANE Select); 5 bases into the intron after coding-DNA position 638, A replaced by T.
Molecular consequence: intron variant.
Genome position (GRCh38, 1-based): chr11:108,188,093, T>A on the plus strand (A>T on the coding strand, the complement: NPAT is on the minus strand). VCF-style: chr11-108188093-T-A. GRCh37 (hg19) VCF-style: chr11-108058820-T-A.
Other names: c.638+5A>T (NM_001321307.1).
Identifiers: ClinVar variation 4712465 (VCV004712465.1).